The following is an entry in ClinVar:

ClinVar aggregate classification (germline): Uncertain significance (1 of 4 stars; one submission).

gnomAD v4.1: 2 of 1,550,558 alleles (0.00013%); highest among the groups gnomAD compares: Non-Finnish European, 0.00017%; no homozygotes.

Submission:

Labcorp Genetics (formerly Invitae), Labcorp
Classification: Uncertain significance. Last evaluated: 2025-01-02. Review status: criteria provided, single submitter. Criteria: Invitae Variant Classification Sherloc (09022015). Collection method: clinical testing. Allele origin: germline.
Comment: This sequence change replaces methionine, which is neutral and non-polar, with isoleucine, which is neutral and non-polar, at codon 68 of the PNPLA1 protein (p.Met68Ile). This variant is not present in population databases (gnomAD no frequency). This variant has not been reported in the literature in individuals affected with PNPLA1-related conditions. An algorithm developed to predict the effect of missense changes on protein structure and function (PolyPhen-2) suggests that this variant is likely to be disruptive. In summary, the available evidence is currently insufficient to determine the role of this variant in disease. Therefore, it has been classified as a Variant of Uncertain Significance.

NM_001374623.1(PNPLA1):c.204G>C (p.Met68Ile)

Gene: PNPLA1 (patatin like domain 1, omega-hydroxyceramide transacylase; plus strand). Cytogenetic location: 6p21.31.
Variant type: single nucleotide variant.
Coding change: c.204G>C on transcript NM_001374623.1 (MANE Select); coding-DNA position 204, G replaced by C.
Protein change: p.Met68Ile; replaces methionine 68 with isoleucine.
Molecular consequence: missense variant. On other transcripts: intron variant (2).
Genome position (GRCh38, 1-based): chr6:36,270,663, G>C. VCF-style: chr6-36270663-G-C. GRCh37 (hg19) VCF-style: chr6-36238440-G-C.
Other names: c.204G>C, p.Met68Ile (NM_001145717.1); c.-80-20657G>C (NM_001145716.2, NM_173676.2); short protein forms M68I.
Identifiers: ClinVar variation 3676368 (VCV003676368.2).